The following is an entry in ClinVar:

NM_006363.6(SEC23B):c.2149-21TTG[6]

Gene: SEC23B (SEC23 homolog B, COPII component; plus strand). Cytogenetic location: 20p11.23.
Variant type: Microsatellite.
Coding change: c.2149-21TTG[6] on transcript NM_006363.6 (MANE Select); six copies in a row of the 3-base unit TTG starting at c.2149-21.
Molecular consequence: intron variant.
Genome position: GRCh38 VCF-style: chr20-18555086-T-TTTG. GRCh37 (hg19) VCF-style: chr20-18535730-T-TTTG.
Other names: c.2149-21TTG[6] (NM_032986.5, NM_001172745.3, NM_032985.6); c.2095-21TTG[6] (NM_001172746.3).
Identifiers: ClinVar variation 3032453 (VCV003032453.2), dbSNP rs746737770, ClinGen allele CA9778616.

ClinVar aggregate classification (germline): Likely benign (0 of 4 stars; one submission).

Conditions:
SEC23B-related disorder. Also called: SEC23B-related condition; SEC23B-related disorders.

Submission:

PreventionGenetics, part of Exact Sciences
Classification: Likely benign for SEC23B-related condition. Last evaluated: 2023-09-04. Review status: no assertion criteria provided. Collection method: clinical testing. Allele origin: germline.
Comment: This variant is classified as likely benign based on ACMG/AMP sequence variant interpretation guidelines (Richards et al. 2015 PMID: 25741868, with internal and published modifications).